The following is an entry in ClinVar:

ClinVar aggregate classification (germline): Uncertain significance (1 of 4 stars; one submission).

Submission:

GeneDx
Classification: Uncertain significance. Last evaluated: 2023-06-21. Review status: criteria provided, single submitter. Criteria: GeneDx Variant Classification Process June 2021. Collection method: clinical testing. Allele origin: germline. Affected: yes.
Comment: Not observed at significant frequency in large population cohorts (gnomAD); In silico analysis supports that this missense variant does not alter protein structure/function; Has not been previously published as pathogenic or benign to our knowledge; This variant is associated with the following publications: (PMID: 26100331, 25512093, 25609763)

NM_001376.5(DYNC1H1):c.3265G>A (p.Ala1089Thr)

Gene: DYNC1H1 (dynein cytoplasmic 1 heavy chain 1; plus strand). Cytogenetic location: 14q32.31.
Variant type: single nucleotide variant.
Coding change: c.3265G>A on transcript NM_001376.5 (MANE Select); coding-DNA position 3265, G replaced by A.
Protein change: p.Ala1089Thr; replaces alanine 1089 with threonine.
Molecular consequence: missense variant.
Genome position (GRCh38, 1-based): chr14:101,994,781, G>A. VCF-style: chr14-101994781-G-A. GRCh37 (hg19) VCF-style: chr14-102461118-G-A.
Other names: short protein forms A1089T.
Identifiers: ClinVar variation 3359947 (VCV003359947.1).